The following is an entry in ClinVar:

NM_001069.3(TUBB2A):c.806G>A (p.Gly269Asp)

Gene: TUBB2A (tubulin beta 2A class IIa; minus strand). Cytogenetic location: 6p25.2.
Variant type: single nucleotide variant.
Coding change: c.806G>A on transcript NM_001069.3 (MANE Select); coding-DNA position 806, G replaced by A.
Protein change: p.Gly269Asp; replaces glycine 269 with aspartic acid.
Molecular consequence: missense variant.
Genome position (GRCh38, 1-based): chr6:3,154,395, C>T on the plus strand (G>A on the coding strand, the complement: TUBB2A is on the minus strand). VCF-style: chr6-3154395-C-T. GRCh37 (hg19) VCF-style: chr6-3154629-C-T.
Other names: c.551G>A, p.Gly184Asp (NM_001310315.2); short protein forms G184D, G269D.
Identifiers: ClinVar variation 2006044 (VCV002006044.4), dbSNP rs2533524316, ClinGen allele CA362591920.
Genomic context (GRCh38, chr6:3,154,395, plus strand): 5'-AGCTCGGGCACCGTGAGCGCCCGGTACTGCTGGCTGCCCCGGCTGGTCAGGGGCGCGAAG[C>T]CGGGCATGAAGAAGTGCAGGCGAGGGAAGGGCACCATGTTCACCGCCAGCTTGCGCAGGT-3'
Protein context (NP_001060.1, residues 259-279): PFPRLHFFMP[Gly269Asp]FAPLTSRGSQ

ClinVar aggregate classification (germline): Uncertain significance (1 of 4 stars; one submission).

Submission:

Labcorp Genetics (formerly Invitae), Labcorp
Classification: Uncertain significance. Last evaluated: 2024-01-22. Review status: criteria provided, single submitter. Criteria: Invitae Variant Classification Sherloc (09022015). Collection method: clinical testing. Allele origin: germline.
Comment: This sequence change replaces glycine, which is neutral and non-polar, with aspartic acid, which is acidic and polar, at codon 269 of the TUBB2A protein (p.Gly269Asp). This variant is not present in population databases (gnomAD no frequency). This variant has not been reported in the literature in individuals affected with TUBB2A-related conditions. ClinVar contains an entry for this variant (Variation ID: 2006044). Advanced modeling of protein sequence and biophysical properties (such as structural, functional, and spatial information, amino acid conservation, physicochemical variation, residue mobility, and thermodynamic stability) performed at Invitae indicates that this missense variant is expected to disrupt TUBB2A protein function with a positive predictive value of 80%. In summary, the available evidence is currently insufficient to determine the role of this variant in disease. Therefore, it has been classified as a Variant of Uncertain Significance.